The following is an entry in ClinVar:

NM_015331.3(NCSTN):c.787A>G (p.Ile263Val)

Gene: NCSTN (nicastrin; plus strand). Cytogenetic location: 1q23.2.
Variant type: single nucleotide variant.
Coding change: c.787A>G on transcript NM_015331.3 (MANE Select); coding-DNA position 787, A replaced by G.
Protein change: p.Ile263Val; replaces isoleucine 263 with valine.
Molecular consequence: missense variant. On other transcripts: intron variant (1).
Genome position (GRCh38, 1-based): chr1:160,351,749, A>G. VCF-style: chr1-160351749-A-G. GRCh37 (hg19) VCF-style: chr1-160321539-A-G.
Other names: c.787A>G (NM_015331.2); c.727A>G, p.Ile243Val (NM_001290184.2); c.787A>G, p.Ile263Val (NM_001349729.2); c.583-1138A>G (NM_001290186.2); short protein forms I243V, I263V.
Identifiers: ClinVar variation 2906063 (VCV002906063.4), dbSNP rs762952922, ClinGen allele CA1198816.

ClinVar aggregate classification (germline): Uncertain significance. Review status: criteria provided, multiple submitters, no conflicts (2 of 4 stars). 2 submissions from 2 submitters: Uncertain significance (2). Last evaluated 2024-01-17.

Conditions:
Inborn genetic diseases. Identifiers: MedGen C0950123, MeSH D030342.

Allele frequency attached by ClinVar (database versions not stated): gnomAD exomes 0.00001; ExAC 0.00002; TOPMed 0.00002.
gnomAD v4.1: 18 of 1,613,660 alleles (0.0011%); highest among the groups gnomAD compares: South Asian, 0.0022%; no homozygotes.

Submissions (2):

Ambry Genetics
Classification: Uncertain significance for Inborn genetic diseases. Last evaluated: 2024-01-17. Review status: criteria provided, single submitter. Criteria: Ambry Variant Classification Scheme 2023. Collection method: clinical testing. Allele origin: germline.

Labcorp Genetics (formerly Invitae), Labcorp
Classification: Uncertain significance. Last evaluated: 2023-08-08. Review status: criteria provided, single submitter. Criteria: Invitae Variant Classification Sherloc (09022015). Collection method: clinical testing. Allele origin: germline.
Comment: In summary, the available evidence is currently insufficient to determine the role of this variant in disease. Therefore, it has been classified as a Variant of Uncertain Significance. Advanced modeling of protein sequence and biophysical properties (such as structural, functional, and spatial information, amino acid conservation, physicochemical variation, residue mobility, and thermodynamic stability) performed at Invitae indicates that this missense variant is not expected to disrupt NCSTN protein function. This variant has not been reported in the literature in individuals affected with NCSTN-related conditions. This variant is present in population databases (rs762952922, gnomAD 0.007%). This sequence change replaces isoleucine, which is neutral and non-polar, with valine, which is neutral and non-polar, at codon 263 of the NCSTN protein (p.Ile263Val).